The following is an entry in ClinVar:

NM_001852.4(COL9A2):c.1608_1614del (p.Leu537fs)

Gene: COL9A2 (collagen type IX alpha 2 chain; minus strand). Cytogenetic location: 1p34.2.
Variant type: Deletion.
Coding change: c.1608_1614del on transcript NM_001852.4 (MANE Select); coding-DNA positions 1608 to 1614, 7 bases deleted (ACTGGCA; older notation c.1608_1614delACTGGCA).
Protein change: p.Leu537fs; shifts the reading frame from leucine 537.
Molecular consequence: frameshift variant.
Genome position (GRCh38, 1-based): chr1:40,302,799-40,302,805, TGCCAGT deleted on the plus strand (ACTGGCA on the coding strand, the reverse complement: COL9A2 is on the minus strand); deleting any 7 consecutive bases within chr1:40,302,799-40,302,808 gives the same sequence; the c. name uses the placement nearest the transcript's 3' end. VCF-style (leftmost placement, unchanged base first): chr1-40302798-CTGCCAGT-C. GRCh37 (hg19) VCF-style: chr1-40768470-CTGCCAGT-C.
Other names: c.1608_1614del7 (NM_001852.3); short protein forms L537fs.
Identifiers: ClinVar variation 1442253 (VCV001442253.9), dbSNP rs1389944632, ClinGen allele CA735758521.

ClinVar aggregate classification (germline): Conflicting classifications of pathogenicity. Review status: criteria provided, conflicting classifications (1 of 4 stars). 4 submissions from 4 submitters: Pathogenic (1); Likely pathogenic (2); Uncertain significance (1). Last evaluated 2024-12-03.

Conditions:
Epiphyseal dysplasia, multiple, 2 (EDM2). Also called: COL9A2-Related Multiple Epiphyseal Dysplasia. Identifiers: MedGen C1838429, MONDO:0010844, OMIM 600204.
COL9A2-related disorder. Also called: COL9A2-related condition.

Submissions (4):

PreventionGenetics, part of Exact Sciences
Classification: Likely pathogenic for COL9A2-related condition. Last evaluated: 2024-12-03. Review status: criteria provided, single submitter. Criteria: ACMG Guidelines, 2015. Collection method: clinical testing. Allele origin: germline.
Comment: The COL9A2 c.1608_1614del7 variant is predicted to result in a frameshift and premature protein termination (p.Leu537Argfs*4). To our knowledge, this variant has not been reported in the literature or in a large population database (gnomAD), indicating this variant is rare. Frameshift variants in COL9A2 are expected to be pathogenic. This variant is interpreted as likely pathogenic.

Labcorp Genetics (formerly Invitae), Labcorp
Classification: Pathogenic. Last evaluated: 2024-10-22. Review status: criteria provided, single submitter. Criteria: Invitae Variant Classification Sherloc (09022015). Collection method: clinical testing. Allele origin: germline.
Comment: This sequence change creates a premature translational stop signal (p.Leu537Argfs*4) in the COL9A2 gene. It is expected to result in an absent or disrupted protein product. Loss-of-function variants in COL9A2 are known to be pathogenic (PMID: 21671392, 33356723). This variant is not present in population databases (gnomAD no frequency). This variant has not been reported in the literature in individuals affected with COL9A2-related conditions. ClinVar contains an entry for this variant (Variation ID: 1442253). Algorithms developed to predict the effect of sequence changes on RNA splicing suggest that this variant may create or strengthen a splice site. For these reasons, this variant has been classified as Pathogenic.

MVZ Medizinische Genetik Mainz
Classification: Uncertain significance for Epiphyseal dysplasia, multiple, 2. Last evaluated: 2023-10-18. Review status: criteria provided, single submitter. Criteria: UK Practice Guidelines For Variant Classification V4 01 2020. Collection method: clinical testing. Allele origin: germline. Inheritance: Autosomal dominant inheritance. Affected: yes. Observed: 1 variant allele.
Comment: ACMG Criteria: PVS1_MOD, PM2_SUP, PP4

Blueprint Genetics
Classification: Likely pathogenic for COL9A2-related disorders. Last evaluated: 2017-06-22. Review status: criteria provided, single submitter. Criteria: ACMG Guidelines, 2015. Collection method: clinical testing. Allele origin: germline. Affected: yes. Observed: 3 variant alleles.

Literature cited by the submitters: PubMed 21671392 (cited by Labcorp Genetics (formerly Invitae), Labcorp); PubMed 33356723 (cited by Labcorp Genetics (formerly Invitae), Labcorp).